The following is an entry in ClinVar:

ClinVar aggregate classification (germline): Benign/Likely benign. Review status: criteria provided, multiple submitters, no conflicts (2 of 4 stars). 13 submissions from 12 submitters: Benign (5); Likely benign (5). 3 of the submissions do not count toward it. Last evaluated 2026-01-26.

Conditions:
Kidney disorder. Also called: Nephropathy; Kidney disease; Kidney Diseases; renal disease; renal disorder. Identifiers: MedGen C0022658, MONDO:0005240, HP:0000112.
Nephronophthisis. Also called: Juvenile Nephronophthisis. Identifiers: Orphanet 655, MedGen C0687120, MONDO:0019005, HP:0000090.
Nephronophthisis 4 (NPHP4). Also called: NEPHRONOPHTHISIS 4, JUVENILE. Identifiers: Orphanet 655, MedGen C1847013, MONDO:0011752, OMIM 606966.
Senior-Loken syndrome 4 (SLSN4). Identifiers: Orphanet 3156, MedGen C1846979, MONDO:0011756, OMIM 606996.

Allele frequency attached by ClinVar (database versions not stated): gnomAD exomes 0.00072 and 0.00144; ExAC 0.00263; gnomAD 0.00557 and 0.00599; ESP Exome Variant Server 0.00604; TOPMed 0.00685; 1000 Genomes Project 30x 0.00718; 1000 Genomes Project 0.00799.
gnomAD v4.1: 1,953 of 1,600,056 alleles (0.12%); highest among the groups gnomAD compares: African/African-American, 1.9%; 17 homozygotes.

Submissions (13):

Labcorp Genetics (formerly Invitae), Labcorp
Classification: Benign for Nephronophthisis. Last evaluated: 2026-01-26. Review status: criteria provided, single submitter. Criteria: Invitae Variant Classification Sherloc (09022015). Collection method: clinical testing. Allele origin: germline.

CeGaT Center for Human Genetics Tuebingen
Classification: Benign. Last evaluated: 2026-01-01. Review status: criteria provided, single submitter. Criteria: CeGaT Center For Human Genetics Tuebingen Variant Classification Criteria Version 2. Collection method: clinical testing. Allele origin: germline. Affected: yes. Observed: 3 variant alleles.
Comment: NPHP4: BP4, BS1, BS2

Genomic Medicine Center of Excellence, King Faisal Specialist Hospital and Research Centre
Classification: Likely benign. Last evaluated: 2025-08-18. Review status: criteria provided, single submitter. Criteria: ACMG Guidelines, 2015. Collection method: clinical testing. Allele origin: germline.

Mayo Clinic Laboratories, Mayo Clinic
Classification: Likely benign. Last evaluated: 2022-03-14. Review status: criteria provided, single submitter. Criteria: ACMG Guidelines, 2015. Collection method: clinical testing. Allele origin: germline. Observed: 4 variant alleles.
Comment: BS1, BP4, BP7

Illumina Laboratory Services, Illumina
Classification: Benign for Nephronophthisis 4. Last evaluated: 2018-01-13. Review status: criteria provided, single submitter. Criteria: ICSL Variant Classification Criteria 13 December 2019. Collection method: clinical testing. Allele origin: germline.
Comment: This variant was observed in the ICSL laboratory as part of a predisposition screen in an ostensibly healthy population. It had not been previously curated by ICSL or reported in the Human Gene Mutation Database (HGMD: prior to June 1st, 2018), and was therefore a candidate for classification through an automated scoring system. Utilizing variant allele frequency, disease prevalence and penetrance estimates, and inheritance mode, an automated score was calculated to assess if this variant is too frequent to cause the disease. Based on the score and internal cut-off values, a variant classified as benign is not then subjected to further curation. The score for this variant resulted in a classification of benign for this disease.

Illumina Laboratory Services, Illumina
Classification: Benign for Senior-Loken syndrome 4. Last evaluated: 2018-01-13. Review status: criteria provided, single submitter. Criteria: ICSL Variant Classification Criteria 13 December 2019. Collection method: clinical testing. Allele origin: germline.
Comment: the same text as in the submission from Illumina Laboratory Services, Illumina above.

Genome Diagnostics Laboratory, The Hospital for Sick Children
Classification: Likely benign for Kidney disorder. Last evaluated: 2017-02-06. Review status: criteria provided, single submitter. Criteria: ACMG Guidelines, 2015. Collection method: clinical testing. Allele origin: germline.

Eurofins Ntd Llc (ga)
Classification: Benign. Last evaluated: 2014-04-17. Review status: criteria provided, single submitter. Criteria: EGL Classification Definitions 2015. Collection method: clinical testing. Allele origin: germline. Observed: 2 variant alleles, 2 heterozygotes.

Breakthrough Genomics
Classification: Likely benign. Review status: criteria provided, single submitter. Criteria: ACMG Guidelines, 2015. Collection method: not provided. Allele origin: germline. Inheritance: Autosomal recessive inheritance. Affected: yes.

PreventionGenetics, part of Exact Sciences
Classification: Likely benign. Review status: criteria provided, single submitter. Criteria: ACMG Guidelines, 2015. Collection method: clinical testing. Allele origin: germline.

Genetic Services Laboratory, University of Chicago
Classification: Benign. Last evaluated: 2022-08-23. Review status: no assertion criteria provided. Collection method: clinical testing. Allele origin: germline. Affected: no. Not counted in ClinVar's aggregate classification.

Clinical Genetics, Academic Medical Center
Classification: Benign. Review status: no assertion criteria provided. Collection method: clinical testing. Allele origin: germline. Affected: yes. Study: VKGL Data-share Consensus. Not counted in ClinVar's aggregate classification.

Genome Diagnostics Laboratory, University Medical Center Utrecht
Classification: Likely benign. Review status: no assertion criteria provided. Collection method: clinical testing. Allele origin: germline. Affected: yes. Study: VKGL Data-share Consensus. Not counted in ClinVar's aggregate classification.

NM_015102.5(NPHP4):c.1442-7C>T

Gene: NPHP4 (nephrocystin 4; minus strand). Cytogenetic location: 1p36.31.
Variant type: single nucleotide variant.
Coding change: c.1442-7C>T on transcript NM_015102.5 (MANE Select); 7 bases into the intron before coding-DNA position 1442, C replaced by T.
Molecular consequence: intron variant.
Genome position (GRCh38, 1-based): chr1:5,909,220, G>A on the plus strand (C>T on the coding strand, the complement: NPHP4 is on the minus strand). VCF-style: chr1-5909220-G-A. GRCh37 (hg19) VCF-style: chr1-5969280-G-A.
Other names: p.?; c.76-3437C>T (NM_001291594.2); c.76-3440C>T (NM_001291593.2).
Identifiers: ClinVar variation 166893 (VCV000166893.35), dbSNP rs146078470, ClinGen allele CA179896.